The following is an entry in ClinVar:

NM_012463.4(ATP6V0A2):c.2374C>T (p.Pro792Ser)

Gene: ATP6V0A2 (ATPase H+ transporting V0 subunit a2; plus strand). Cytogenetic location: 12q24.31.
Variant type: single nucleotide variant.
Coding change: c.2374C>T on transcript NM_012463.4 (MANE Select); coding-DNA position 2374, C replaced by T.
Protein change: p.Pro792Ser; replaces proline 792 with serine.
Molecular consequence: missense variant.
Genome position (GRCh38, 1-based): chr12:123,756,895, C>T. VCF-style: chr12-123756895-C-T. GRCh37 (hg19) VCF-style: chr12-124241442-C-T.
Other names: short protein forms P792S.
Identifiers: ClinVar variation 1311094 (VCV001311094.2), dbSNP rs765645222, ClinGen allele CA6862230.

ClinVar aggregate classification (germline): Uncertain significance (1 of 4 stars; one submission).

Allele frequency attached by ClinVar (database versions not stated): gnomAD exomes below 0.00001 and 0.00001; ExAC 0.00002.
gnomAD v4.1: 6 of 1,614,214 alleles (0.00037%); highest among the groups gnomAD compares: East Asian, 0.013%; no homozygotes.

Submission:

GeneDx
Classification: Uncertain significance. Last evaluated: 2019-12-06. Review status: criteria provided, single submitter. Criteria: GeneDx Variant Classification Process June 2021. Collection method: clinical testing. Allele origin: germline. Affected: yes.
Comment: Not observed at a significant frequency in large population cohorts (Lek et al., 2016); In silico analysis, which includes protein predictors and evolutionary conservation, supports a deleterious effect; Has not been previously published as pathogenic or benign to our knowledge